The following is an entry in ClinVar:

ClinVar aggregate classification (germline): Likely pathogenic (1 of 4 stars; one submission).

Conditions:
Mitochondrial trifunctional protein deficiency. Identifiers: Orphanet 746, MedGen C1969443, MONDO:0012172.

gnomAD v4.1: 1 of 1,613,208 alleles (0.000062%); highest among the groups gnomAD compares: Non-Finnish European, 0.000085%; no homozygotes.

Submission:

Labcorp Genetics (formerly Invitae), Labcorp
Classification: Likely pathogenic for Mitochondrial trifunctional protein deficiency. Last evaluated: 2024-10-22. Review status: criteria provided, single submitter. Criteria: Invitae Variant Classification Sherloc (09022015). Collection method: clinical testing. Allele origin: germline.
Comment: This sequence change affects a donor splice site in intron 8 of the HADHB gene. It is expected to disrupt RNA splicing. Variants that disrupt the donor or acceptor splice site typically lead to a loss of protein function (PMID: 16199547), and loss-of-function variants in HADHB are known to be pathogenic (PMID: 9259266, 12754706). This variant is not present in population databases (gnomAD no frequency). This variant has not been reported in the literature in individuals affected with HADHB-related conditions. Algorithms developed to predict the effect of sequence changes on RNA splicing suggest that this variant may disrupt the consensus splice site. In summary, the currently available evidence indicates that the variant is pathogenic, but additional data are needed to prove that conclusively. Therefore, this variant has been classified as Likely Pathogenic.

Literature cited by the submitters: PubMed 16199547; PubMed 9259266; PubMed 12754706.

NM_000183.3(HADHB):c.630+2T>C

Gene: HADHB (hydroxyacyl-CoA dehydrogenase trifunctional multienzyme complex subunit beta; plus strand). Cytogenetic location: 2p23.3.
Variant type: single nucleotide variant.
Coding change: c.630+2T>C on transcript NM_000183.3 (MANE Select); the canonical splice donor site of the intron after coding-DNA position 630, T replaced by C.
Molecular consequence: splice donor variant.
Genome position (GRCh38, 1-based): chr2:26,278,803, T>C. VCF-style: chr2-26278803-T-C. GRCh37 (hg19) VCF-style: chr2-26501671-T-C.
Other names: c.564+2T>C (NM_001281513.2); c.585+2T>C (NM_001281512.2).
Identifiers: ClinVar variation 3723548 (VCV003723548.2).
Genomic context (GRCh38, chr2:26,278,803, plus strand): 5'-CTATGGGCCAGCGACTGTCTTTAATCTCTAAATTCCGATTTAATTTCCTAGCACCTGAGG[T>C]AAGGCTTGTGTTTGCAGGGCATCCCACTGCAGAGATTTAGAATTAGGTATGGCAGTGTGG-3'